The following is an entry in ClinVar:

ClinVar aggregate classification (germline): Likely pathogenic (1 of 4 stars; one submission).

Conditions:
Usher syndrome type 2A. Also called: RETINAL DISEASE IN USHER SYNDROME TYPE IIA, MODIFIER OF; USHER SYNDROME, TYPE IIA. Identifiers: Orphanet 231178, Orphanet 886, MedGen C1848634, MONDO:0010169, OMIM 276901.

Submission:

Natera, Inc.
Classification: Likely pathogenic for Usher syndrome type 2A. Last evaluated: 2025-02-14. Review status: criteria provided, single submitter. Criteria: Natera Variant Classification Schema (03/2026). Collection method: clinical testing. Allele origin: germline.
Comment: The c.2993+2T>A variant in USH2A is a canonical splice donor site variant predicted to affect pre-mRNA splicing, which may result in an abnormal transcript and altered protein product. This variant is expected to result in nonsense mediated decay, truncation, or a dysfunctional protein product. This variant is rare in the general population with a frequency below the threshold expected for the associated phenotype(s). Given the available evidence, this variant is classified as Likely Pathogenic.

NM_206933.4(USH2A):c.2993+2T>A

Genes: USH2A (usherin; minus strand), USH2A-AS1 (USH2A antisense RNA 1; plus strand). Cytogenetic location: 1q41.
Variant type: single nucleotide variant.
Coding change: c.2993+2T>A on transcript NM_206933.4 (MANE Select); the canonical splice donor site of the intron after coding-DNA position 2993, T replaced by A.
Molecular consequence: splice donor variant.
Genome position (GRCh38, 1-based): chr1:216,231,951, A>T on the plus strand (T>A on the coding strand, the complement: USH2A is on the minus strand). VCF-style: chr1-216231951-A-T. GRCh37 (hg19) VCF-style: chr1-216405293-A-T.
Other names: c.2993+2T>A (NM_007123.6).
Identifiers: ClinVar variation 4062799 (VCV004062799.2).